The following is an entry in ClinVar:

NM_022168.4(IFIH1):c.2067del (p.Arg689fs)

Gene: IFIH1 (interferon induced with helicase C domain 1; minus strand). Cytogenetic location: 2q24.2.
Variant type: Deletion.
Coding change: c.2067del on transcript NM_022168.4 (MANE Select); coding-DNA position 2067, one base deleted (G; older notation c.2067delG).
Protein change: p.Arg689fs; shifts the reading frame from arginine 689.
Molecular consequence: frameshift variant.
Genome position (GRCh38, 1-based): chr2:162,276,924, C deleted on the plus strand (G on the coding strand, the reverse complement: IFIH1 is on the minus strand); the first of 2 consecutive C bases (chr2:162,276,924-162,276,925); deleting either gives the same sequence. VCF-style (leftmost placement, unchanged base first): chr2-162276923-GC-G. GRCh37 (hg19) VCF-style: chr2-163133433-GC-G.
Other names: c.2067delG (NM_022168.4); short protein forms R689fs.
Identifiers: ClinVar variation 3779757 (VCV003779757.2).
Genomic context (GRCh38, chr2:162,276,923, plus strand): 5'-CCATTATGGTATTTCTTAATTTGGTCAGCTTTTCATTTTCATATTCTGGGTTTTCAGCCA[GC>G]CTTTTCAACATTTTATTGTTTTCTTTAAGAAATAATTAGAGTTGATATGTTAACAAGCTT-3'

ClinVar aggregate classification (germline): Likely pathogenic. Review status: criteria provided, multiple submitters, no conflicts (2 of 4 stars). 2 submissions from 2 submitters: Likely pathogenic (2). Last evaluated 2025-05-01.

Conditions:
IFIH1-related type 1 interferonopathy. Identifiers: MedGen CN377548, MONDO:0700262.
Immunodeficiency 95 (IMD95). Identifiers: MedGen C5676929, MONDO:0030692, OMIM 619773.

Submissions (2):

Next Generation Genetic Polyclinic
Classification: Likely pathogenic for Immunodeficiency 95. Last evaluated: 2025-05-01. Review status: criteria provided, single submitter. Criteria: ACMG Guidelines, 2015. Collection method: clinical testing. Allele origin: germline. Affected: yes. Observed: 1 variant allele.
Comment: Likely pathogenic deletion variant in IFIH1 gene (NM_022168.4:c.2067delG), detected through clinical testing. This germline heterozygous alteration follows autosomal dominant inheritance and represents a novel finding not reported in population databases such as gnomAD (allele frequency <0.02; PM2). The single-nucleotide deletion causes a frameshift likely resulting in truncated or non-functional protein, with deleterious effects predicted by in silico tools (PP3). Sanger sequencing confirmed variant presence. No prior entries in ClinVar or literature. Classified based on ACMG criteria: PM2, PP3, PP4 (if clinical phenotype matches known IFIH1-associated disorders).

Department of Pathology and Laboratory Medicine, Sinai Health System
Classification: Likely pathogenic for IFIH1-related type 1 interferonopathy. Last evaluated: 2023-02-09. Review status: criteria provided, single submitter. Criteria: ACMG Guidelines, 2015. Collection method: research. Allele origin: germline.